The following is an entry in ClinVar:

ClinVar aggregate classification (germline): Conflicting classifications of pathogenicity. Review status: criteria provided, conflicting classifications (1 of 4 stars). 7 submissions from 7 submitters: Uncertain significance (4); Likely benign (1). 2 of the submissions do not count toward it. Last evaluated 2026-09-04.

Conditions:
NTRK1-related disorder. Also called: NTRK1-related condition.
Inborn genetic diseases. Identifiers: MedGen C0950123, MeSH D030342.
Hereditary insensitivity to pain with anhidrosis (CIPA). Also called: INSENSITIVITY TO PAIN, CONGENITAL, WITH ANHIDROSIS; NTRK1 Congenital Insensitivity to Pain with Anhidrosis; hereditary sensory and autonomic neuropathy type 4; HSAN Type IV; FAMILIAL DYSAUTONOMIA, TYPE II; NEUROPATHY, CONGENITAL SENSORY, WITH ANHIDROSIS. Identifiers: Orphanet 642, MedGen C0020074, MONDO:0009746, OMIM 256800.

Allele frequency attached by ClinVar (database versions not stated): gnomAD 0.00010 and 0.00013; TOPMed 0.00013; gnomAD exomes 0.00014; ExAC 0.00017; ESP Exome Variant Server 0.00046.
gnomAD v4.1: 199 of 1,613,644 alleles (0.012%); highest among the groups gnomAD compares: Middle Eastern, 0.099%; no homozygotes.

Submissions (7):

PreventionGenetics, part of Exact Sciences
Classification: Uncertain significance for NTRK1-related condition. Last evaluated: 2026-09-04. Review status: criteria provided, single submitter. Criteria: ACMG Guidelines, 2015. Collection method: clinical testing. Allele origin: germline.
Comment: The NTRK1 c.1741G>A variant is predicted to result in the amino acid substitution p.Glu581Lys. To our knowledge, this variant has not been reported in individuals with congenital insensitivity to pain with anhidrosis. This variant is reported in 0.027% of alleles in individuals of European (Non-Finnish) descent in gnomAD. At this time, the clinical significance of this variant is uncertain due to the absence of conclusive functional and genetic evidence.

Labcorp Genetics (formerly Invitae), Labcorp
Classification: Likely benign for Hereditary insensitivity to pain with anhidrosis. Last evaluated: 2026-01-20. Review status: criteria provided, single submitter. Criteria: Invitae Variant Classification Sherloc (09022015). Collection method: clinical testing. Allele origin: germline.

Mayo Clinic Laboratories, Mayo Clinic
Classification: Uncertain significance. Last evaluated: 2025-03-18. Review status: criteria provided, single submitter. Criteria: ACMG Guidelines, 2015. Collection method: clinical testing. Allele origin: germline. Observed: 1 variant allele.
Comment: PP3

ARUP Laboratories, Molecular Genetics and Genomics, ARUP Laboratories
Classification: Uncertain significance for Hereditary insensitivity to pain with anhidrosis. Last evaluated: 2024-06-28. Review status: criteria provided, single submitter. Criteria: ARUP Molecular Germline Variant Investigation Process 2024. Collection method: clinical testing. Allele origin: germline.
Comment: The NTRK1 c.1723G>A; p.Glu575Lys variant (rs150579345, ClinVar Variation ID: 526727), to our knowledge, is not reported in the literature in association with NTRK1-associated disease. This variant is observed in the non-Finnish European population with an allele frequency of 0.03% (35/128470 alleles) in the Genome Aggregation Database (v2.1.1). Computational analyses predict that this variant is deleterious (REVEL: 0.766). Due to limited information, the clinical significance of this variant is uncertain at this time.

Ambry Genetics
Classification: Uncertain significance for Inborn genetic diseases. Last evaluated: 2021-11-07. Review status: criteria provided, single submitter. Criteria: Ambry Variant Classification Scheme 2023. Collection method: clinical testing. Allele origin: germline.
Comment: The p.E575K variant (also known as c.1723G>A), located in coding exon 13 of the NTRK1 gene, results from a G to A substitution at nucleotide position 1723. The glutamic acid at codon 575 is replaced by lysine, an amino acid with similar properties. This amino acid position is not well conserved in available vertebrate species. In addition, the in silico prediction for this alteration is inconclusive. Since supporting evidence is limited at this time, the clinical significance of this alteration remains unclear.

Clinical Genetics DNA and cytogenetics Diagnostics Lab, Erasmus MC, Erasmus Medical Center
Classification: Uncertain significance. Review status: no assertion criteria provided. Collection method: clinical testing. Allele origin: germline. Affected: yes. Study: VKGL Data-share Consensus. Not counted in ClinVar's aggregate classification.

Clinical Genetics, Academic Medical Center
Classification: Uncertain significance. Review status: no assertion criteria provided. Collection method: clinical testing. Allele origin: germline. Affected: yes. Study: VKGL Data-share Consensus. Not counted in ClinVar's aggregate classification.

NM_002529.4(NTRK1):c.1741G>A (p.Glu581Lys)

Gene: NTRK1 (neurotrophic receptor tyrosine kinase 1; plus strand). Cytogenetic location: 1q23.1.
Variant type: single nucleotide variant.
Coding change: c.1741G>A on transcript NM_002529.4 (MANE Select); coding-DNA position 1741, G replaced by A.
Protein change: p.Glu581Lys; replaces glutamic acid 581 with lysine.
Molecular consequence: missense variant.
Genome position (GRCh38, 1-based): chr1:156,876,508, G>A. VCF-style: chr1-156876508-G-A. GRCh37 (hg19) VCF-style: chr1-156846300-G-A.
Other names: p.Glu575Lys; c.1741G>A (NM_002529.3); c.1633G>A, p.Glu545Lys (NM_001007792.1); c.1723G>A, p.Glu575Lys (NM_001012331.2); short protein forms E581K, E545K, E575K.
Identifiers: ClinVar variation 526727 (VCV000526727.19), dbSNP rs150579345, ClinGen allele CA1169456.